The following is an entry in ClinVar:

NM_015506.3(MMACHC):c.430-2A>G

Gene: MMACHC (metabolism of cobalamin associated C; plus strand). Cytogenetic location: 1p34.1.
Variant type: single nucleotide variant.
Coding change: c.430-2A>G on transcript NM_015506.3 (MANE Select); the canonical splice acceptor site of the intron before coding-DNA position 430, A replaced by G.
Molecular consequence: splice acceptor variant.
Genome position (GRCh38, 1-based): chr1:45,508,794, A>G. VCF-style: chr1-45508794-A-G. GRCh37 (hg19) VCF-style: chr1-45974466-A-G.
Other names: c.259-2A>G (NM_001330540.2); c.430-2A>G (NM_015506.2).
Identifiers: ClinVar variation 2676622 (VCV002676622.4), dbSNP rs376964010, ClinGen allele CA827750.

ClinVar aggregate classification (germline): Likely pathogenic. Review status: criteria provided, multiple submitters, no conflicts (2 of 4 stars). 2 submissions from 2 submitters: Likely pathogenic (2). Last evaluated 2024-06-10.

Conditions:
Cobalamin C disease. Also called: methylmalonic aciduria and homocystinuria type cblC; Methylmalonic aciduria with homocystinuria cblC type; Methylmalonic aciduria and homocystinuria, Vitamin B12-responsive; Vitamin B12 metabolic defect with combined deficiency of methylmalonyl-CoA mutase and homocysteine:methyltetrahydrofolate methyltransferase; Cobalamin-C methylmalonic acidemia and homocystinuria; Methylmalonic acidemia and homocystinuria cblC type. Identifiers: Orphanet 26, Orphanet 79282, MedGen C1848561, MONDO:0010184, OMIM 277400.

Allele frequency attached by ClinVar (database versions not stated): gnomAD exomes below 0.00001; ExAC 0.00001; gnomAD 0.00001; TOPMed 0.00001; ESP Exome Variant Server 0.00008.
gnomAD v4.1: 3 of 1,613,420 alleles (0.00019%); highest among the groups gnomAD compares: African/African-American, 0.004%; no homozygotes.

Submissions (2):

Fulgent Genetics
Classification: Likely pathogenic for Cobalamin C disease. Last evaluated: 2024-06-10. Review status: criteria provided, single submitter. Criteria: ACMG Guidelines, 2015. Collection method: clinical testing. Allele origin: germline.

Natera, Inc.
Classification: Likely pathogenic for Methylmalonic aciduria and homocystinuria cblC type. Last evaluated: 2024-06-04. Review status: criteria provided, single submitter. Criteria: Natera Variant Classification Schema (03/2026). Collection method: clinical testing. Allele origin: germline.
Comment: The c.430-2A>G variant in MMACHC is a canonical splice acceptor site variant predicted to affect pre-mRNA splicing, which may result in an abnormal transcript and altered protein product. This variant is expected to result in nonsense mediated decay, truncation, or a dysfunctional protein product. This variant is rare in the general population with a frequency below the threshold expected for the associated phenotype(s). This variant has been observed in one or more individuals affected with the associated recessive disease, as either homozygous or compound heterozygous with a second variant (PMID: 28151490). Given the available evidence, this variant is classified as Likely Pathogenic.

Literature cited by the submitters: PubMed 28151490 (cited by Natera, Inc.).